The following is an entry in ClinVar:

ClinVar aggregate classification (germline): Uncertain significance (1 of 4 stars; one submission).

Allele frequency attached by ClinVar (database versions not stated): gnomAD exomes below 0.00001.
gnomAD v4.1: 1 of 1,614,032 alleles (0.000062%); highest among the groups gnomAD compares: Non-Finnish European, 0.000085%; no homozygotes.

Submission:

GeneDx
Classification: Uncertain significance. Last evaluated: 2019-08-29. Review status: criteria provided, single submitter. Criteria: GeneDx Variant Classification Process June 2021. Collection method: clinical testing. Allele origin: germline. Affected: yes.
Comment: Has not been previously published as pathogenic or benign to our knowledge; Not observed in large population cohorts (Lek et al., 2016); In silico analysis, which includes protein predictors and evolutionary conservation, supports a deleterious effect

NM_006329.4(FBLN5):c.167A>C (p.Asp56Ala)

Gene: FBLN5 (fibulin 5; minus strand). Cytogenetic location: 14q32.12.
Variant type: single nucleotide variant.
Coding change: c.167A>C on transcript NM_006329.4 (MANE Select); coding-DNA position 167, A replaced by C.
Protein change: p.Asp56Ala; replaces aspartic acid 56 with alanine.
Molecular consequence: missense variant. On other transcripts: 5 prime UTR variant (2).
Genome position (GRCh38, 1-based): chr14:91,937,159, T>G on the plus strand (A>C on the coding strand, the complement: FBLN5 is on the minus strand). VCF-style: chr14-91937159-T-G. GRCh37 (hg19) VCF-style: chr14-92403503-T-G.
Other names: c.290A>C, p.Asp97Ala (NM_001384158.1); c.218A>C, p.Asp73Ala (NM_001384159.1); c.167A>C, p.Asp56Ala (NM_001384160.1); c.-2A>C (NM_001384161.1, NM_001384162.1); short protein forms D56A, D73A, D97A.
Identifiers: ClinVar variation 1318583 (VCV001318583.2), dbSNP rs2140047938, ClinGen allele CA390640045.